The following is an entry in ClinVar:

ClinVar aggregate classification (germline): Likely benign. Review status: criteria provided, single submitter (1 of 4 stars). 2 submissions from 2 submitters: Likely benign (1). 1 of the submissions does not count toward it. Last evaluated 2025-08-31.

Conditions:
Parkinsonian-pyramidal syndrome. Also called: PARKINSON DISEASE 15, AUTOSOMAL RECESSIVE EARLY-ONSET; PARKINSON DISEASE 15, AUTOSOMAL RECESSIVE; PALLIDOPYRAMIDAL SYNDROME. Identifiers: Orphanet 171695, MedGen C1850100, MONDO:0009830, OMIM 260300.
FBXO7-related disorder. Also called: FBXO7-related condition.

Allele frequency attached by ClinVar (database versions not stated): ExAC 0.00002; gnomAD exomes 0.00003; gnomAD 0.00010; TOPMed 0.00013.
gnomAD v4.1: 70 of 1,614,092 alleles (0.0043%); highest among the groups gnomAD compares: Admixed American, 0.035%; no homozygotes.

Submissions (2):

Labcorp Genetics (formerly Invitae), Labcorp
Classification: Likely benign for Parkinsonian-pyramidal syndrome. Last evaluated: 2025-08-31. Review status: criteria provided, single submitter. Criteria: Invitae Variant Classification Sherloc (09022015). Collection method: clinical testing. Allele origin: germline.

PreventionGenetics, part of Exact Sciences
Classification: Likely benign for FBXO7-related condition. Last evaluated: 2019-06-07. Review status: no assertion criteria provided. Collection method: clinical testing. Allele origin: germline. Not counted in ClinVar's aggregate classification.
Comment: This variant is classified as likely benign based on ACMG/AMP sequence variant interpretation guidelines (Richards et al. 2015 PMID: 25741868, with internal and published modifications).

NM_012179.4(FBXO7):c.595T>C (p.Leu199=)

Gene: FBXO7 (F-box protein 7; plus strand). Cytogenetic location: 22q12.3.
Variant type: single nucleotide variant.
Coding change: c.595T>C on transcript NM_012179.4 (MANE Select); coding-DNA position 595, T replaced by C.
Protein change: p.Leu199=; no amino-acid change (leucine 199 retained).
Molecular consequence: synonymous variant.
Genome position (GRCh38, 1-based): chr22:32,484,074, T>C. VCF-style: chr22-32484074-T-C. GRCh37 (hg19) VCF-style: chr22-32880061-T-C.
Other names: c.595T>C (NM_012179.3); c.358T>C, p.Leu120= (NM_001033024.2); c.253T>C, p.Leu85= (NM_001257990.2).
Identifiers: ClinVar variation 1907641 (VCV001907641.7), dbSNP rs749987502, ClinGen allele CA10201461.